The following is an entry in ClinVar:

ClinVar aggregate classification (germline): Uncertain significance (1 of 4 stars; one submission).

Submission:

Labcorp Genetics (formerly Invitae), Labcorp
Classification: Uncertain significance. Last evaluated: 2025-07-07. Review status: criteria provided, single submitter. Criteria: Invitae Variant Classification Sherloc (09022015). Collection method: clinical testing. Allele origin: germline.
Comment: This sequence change replaces arginine, which is basic and polar, with histidine, which is basic and polar, at codon 488 of the PTH1R protein (p.Arg488His). This variant is present in population databases (rs774241651, gnomAD 0.004%). This variant has not been reported in the literature in individuals affected with PTH1R-related conditions. ClinVar contains an entry for this variant (Variation ID: 3604129). Invitae Evidence Modeling of protein sequence and biophysical properties (such as structural, functional, and spatial information, amino acid conservation, physicochemical variation, residue mobility, and thermodynamic stability) indicates that this missense variant is not expected to disrupt PTH1R protein function with a negative predictive value of 80%. In summary, the available evidence is currently insufficient to determine the role of this variant in disease. Therefore, it has been classified as a Variant of Uncertain Significance.

NM_000316.3(PTH1R):c.1463G>A (p.Arg488His)

Gene: PTH1R (parathyroid hormone 1 receptor; plus strand). Cytogenetic location: 3p21.31.
Variant type: single nucleotide variant.
Coding change: c.1463G>A on transcript NM_000316.3 (MANE Select); coding-DNA position 1463, G replaced by A.
Protein change: p.Arg488His; replaces arginine 488 with histidine.
Molecular consequence: missense variant.
Genome position (GRCh38, 1-based): chr3:46,903,337, G>A. VCF-style: chr3-46903337-G-A. GRCh37 (hg19) VCF-style: chr3-46944827-G-A.
Other names: c.1463G>A, p.Arg488His (NM_001184744.1); short protein forms R488H.
Identifiers: ClinVar variation 3604129 (VCV003604129.2).